The following is an entry in ClinVar:

NM_002878.4(RAD51D):c.568G>A (p.Ala190Thr)

Genes: RAD51D (RAD51 paralog D; minus strand), RAD51L3-RFFL (RAD51L3-RFFL readthrough; minus strand). Cytogenetic location: 17q12.
Variant type: single nucleotide variant.
Coding change: c.568G>A on transcript NM_002878.4 (MANE Select); coding-DNA position 568, G replaced by A.
Protein change: p.Ala190Thr; replaces alanine 190 with threonine.
Molecular consequence: missense variant. On other transcripts: non-coding transcript variant (3).
Genome position (GRCh38, 1-based): chr17:35,106,394, C>T on the plus strand (G>A on the coding strand, the complement: RAD51D is on the minus strand). VCF-style: chr17-35106394-C-T. GRCh37 (hg19) VCF-style: chr17-33433413-C-T.
Other names: p.A190T:GCC>ACC; c.628G>A, p.Ala210Thr (NM_001142571.2); c.232G>A, p.Ala78Thr (NM_133629.3); short protein forms A190T, A78T, A210T.
Identifiers: ClinVar variation 127892 (VCV000127892.72), dbSNP rs80116829, ClinGen allele CA246662.
Genomic context (GRCh38, chr17:35,106,394, plus strand): 5'-ATAGCACCTAGAAAGCTGAATTAAGCAAGGAGGGGCAGAACAGCAGGCTCACCTGCTGGG[C>T]CACAGTGCCTCGGAGCTCCTGCAGCACATCCAGCATCTGGAAGATGTCAAATGCATGCAC-3'
Protein context (NP_002869.3, residues 180-200): DVLQELRGTV[Ala190Thr]QQVTGSSGTV

ClinVar aggregate classification (germline): Conflicting classifications of pathogenicity. Review status: criteria provided, conflicting classifications (1 of 4 stars). 18 submissions from 18 submitters: Uncertain significance (2); Benign (6); Likely benign (8). 2 of the submissions do not count toward it. Last evaluated 2026-02-01.

Conditions:
Breast and/or ovarian cancer. Identifiers: MedGen CN221562.
Hereditary cancer. Identifiers: MedGen C1333600.
Hereditary cancer-predisposing syndrome. Also called: Tumor predisposition; Hereditary neoplastic syndrome; Neoplastic Syndromes, Hereditary; Hereditary Cancer Syndrome. Identifiers: Orphanet 140162, MedGen C0027672, MeSH D009386, MONDO:0015356.
Breast-ovarian cancer, familial, susceptibility to, 4. Identifiers: Orphanet 145, MedGen C3280345, MONDO:0013669, OMIM 614291.
Malignant tumor of breast. Also called: Malignant breast neoplasm; Cancer breast. Identifiers: MedGen C0006142, MONDO:0007254. Disease mechanism: loss of function.

Allele frequency attached by ClinVar (database versions not stated): gnomAD exomes 0.00014 and 0.00035; ExAC 0.00041; 1000 Genomes Project 0.00080; 1000 Genomes Project 30x 0.00094; ESP Exome Variant Server 0.00131; gnomAD 0.00154 and 0.00167; TOPMed 0.00186.
gnomAD v4.1: 447 of 1,612,928 alleles (0.028%); highest among the groups gnomAD compares: African/African-American, 0.54%; 1 homozygote.

Submissions (18):

Labcorp Genetics (formerly Invitae), Labcorp
Classification: Benign for Breast-ovarian cancer, familial, susceptibility to, 4. Last evaluated: 2026-02-01. Review status: criteria provided, single submitter. Criteria: Invitae Variant Classification Sherloc (09022015). Collection method: clinical testing. Allele origin: germline.

Center for Genomic Medicine, Rigshospitalet, Copenhagen University Hospital
Classification: Uncertain significance. Last evaluated: 2025-12-29. Review status: criteria provided, single submitter. Criteria: ACMG Guidelines, 2015. Collection method: clinical testing. Allele origin: germline.

Quest Diagnostics Nichols Institute San Juan Capistrano
Classification: Benign. Last evaluated: 2025-05-15. Review status: criteria provided, single submitter. Criteria: Quest Diagnostics criteria. Collection method: clinical testing. Allele origin: unknown.

Myriad Genetics, Inc.
Classification: Benign for Breast-ovarian cancer, familial, susceptibility to, 4. Last evaluated: 2024-12-19. Review status: criteria provided, single submitter. Criteria: Myriad Autosomal Dominant, Autosomal Recessive and X-Linked Classification Criteria (2023). Collection method: clinical testing. Allele origin: unknown.
Comment: This variant is considered benign. This variant has been observed at a population frequency that is significantly greater than expected given the associated disease prevalence and penetrance. This variant is strongly associated with less severe personal and family histories of cancer, typical for individuals without pathogenic variants in this gene [PMID: 25085752].

Blueprint Genetics
Classification: Likely benign. Last evaluated: 2024-11-01. Review status: criteria provided, single submitter. Criteria: ACMG Guidelines, 2015. Collection method: clinical testing. Allele origin: germline.

Color Diagnostics, LLC DBA Color Health
Classification: Benign for Hereditary cancer-predisposing syndrome. Last evaluated: 2024-09-19. Review status: criteria provided, single submitter. Criteria: ACMG Guidelines, 2015. Collection method: clinical testing. Allele origin: germline.

CeGaT Center for Human Genetics Tuebingen
Classification: Likely benign. Last evaluated: 2024-07-01. Review status: criteria provided, single submitter. Criteria: CeGaT Center For Human Genetics Tuebingen Variant Classification Criteria Version 2. Collection method: clinical testing. Allele origin: germline. Affected: yes. Observed: 2 variant alleles.
Comment: RAD51D: BP4, BS1

Mendelics
Classification: Likely benign for Hereditary cancer. Last evaluated: 2024-01-23. Review status: criteria provided, single submitter. Criteria: ACMG Guidelines, 2015. Collection method: clinical testing. Allele origin: unknown.

ARUP Laboratories, Molecular Genetics and Genomics, ARUP Laboratories
Classification: Likely benign for Breast-ovarian cancer, familial, susceptibility to, 4. Last evaluated: 2023-11-29. Review status: criteria provided, single submitter. Criteria: ARUP Molecular Germline Variant Investigation Process 2024. Collection method: clinical testing. Allele origin: germline.

CHEO Genetics Diagnostic Laboratory, Children's Hospital of Eastern Ontario
Classification: Likely benign for Breast and/or ovarian cancer. Last evaluated: 2022-05-18. Review status: criteria provided, single submitter. Criteria: ACMG Guidelines, 2015. Collection method: clinical testing. Allele origin: germline.

Sema4
Classification: Benign for Hereditary cancer-predisposing syndrome. Last evaluated: 2020-10-23. Review status: criteria provided, single submitter. Criteria: Sema4 Curation Guidelines. Collection method: curation. Allele origin: germline.

GeneDx
Classification: Likely benign. Last evaluated: 2020-09-08. Review status: criteria provided, single submitter. Criteria: GeneDx Variant Classification Process June 2021. Collection method: clinical testing. Allele origin: germline. Affected: yes.
Comment: This variant is associated with the following publications: (PMID: 26261251, 25980754, 27443514, 27878467, 25186627)

Genetic Services Laboratory, University of Chicago
Classification: Likely benign. Last evaluated: 2019-04-25. Review status: criteria provided, single submitter. Criteria: ACMG Guidelines, 2015. Collection method: clinical testing. Allele origin: germline. Affected: no.

Ambry Genetics
Classification: Likely benign for Hereditary cancer-predisposing syndrome. Last evaluated: 2018-10-02. Review status: criteria provided, single submitter. Criteria: Ambry Variant Classification Scheme 2023. Collection method: clinical testing. Allele origin: germline.

Eurofins Ntd Llc (ga)
Classification: Uncertain significance. Last evaluated: 2018-03-12. Review status: criteria provided, single submitter. Criteria: EGL ClinVar v180209 classification definitions. Collection method: clinical testing. Allele origin: germline. Observed: 3 variant alleles, 3 heterozygotes.

Women's Health and Genetics/Laboratory Corporation of America, LabCorp
Classification: Benign. Last evaluated: 2016-02-15. Review status: criteria provided, single submitter. Criteria: LabCorp Variant Classification Summary - May 2015. Collection method: clinical testing. Allele origin: germline.

Counsyl
Classification: Uncertain significance for Breast-ovarian cancer, familial, susceptibility to, 4. Last evaluated: 2016-07-29. Review status: no assertion criteria provided. Collection method: clinical testing. Allele origin: unknown. Not counted in ClinVar's aggregate classification.

Department of Pathology and Laboratory Medicine, Sinai Health System
Classification: Likely benign for Malignant tumor of breast. Review status: no assertion criteria provided. Collection method: clinical testing. Allele origin: unknown. Affected: yes. Study: The Canadian Open Genetics Repository (COGR). Not counted in ClinVar's aggregate classification.
Comment: The RAD51D p.Ala190Thr variant was identified in 4 of 9622 proband chromosomes (frequency: 0.0004) from individuals or families with ovarian cancer, breast cancer, or Lynch syndrome and was not identified in 5544 control chromosomes from healthy individuals (Song 2015, Yadav 2017, Yurgelun 2015). The variant was also identified in dbSNP (ID: rs80116829 as "With other allele") and ClinVar (2x as benign by Invitae and Integrated Genetics/Laboratory Corporation of America; 2x as likely benign by GeneDx and Ambry Genetics; and 3x as uncertain significance by Counsyl, EGL Genetic Diagnostics, and Quest Diagnostics Nichols Institute). The variant was not identified in Cosmic. The variant was identified in control databases in 135 of 274972 chromosomes at a frequency of 0.0005, increasing the likelihood this could be a low frequency benign variant (Genome Aggregation Database Feb 27, 2017). The variant was observed in the following populations: African in 126 of 23588 chromosomes (freq: 0.005), Other in 1 of 6420 chromosomes (freq: 0.0002), Latino in 6 of 34238 chromosomes (freq: 0.0002), European in 1 of 125754 chromosomes (freq: 0.000008), and South Asian in 1 of 30414 chromosomes (freq: 0.00003), while the variant was not observed in the Ashkenazi Jewish, East Asian, or Finnish populations. The p.Ala190 residue is not conserved in mammals and 5 of 5 computational analyses (PolyPhen-2, SIFT, AlignGVGD, BLOSUM, MutationTaster) do not suggest a high likelihood of impact to the protein; however, this information is not predictive enough to rule out pathogenicity. The variant occurs outside of the splicing consensus sequence and only 1 of 5 in silico or computational prediction software programs (SpliceSiteFinder, MaxEntScan, NNSPLICE, GeneSplicer, HumanSpliceFinder) predict a greater than 10% difference in splicing; this is not very predictive of pathogenicity. In summary, based on the above information the clinical significance of this variant cannot be determined with certainty at this time although we would lean towards a more benign role for this variant. This variant is classified as likely benign.

Literature cited by the submitters: PubMed 35264596 (cited by Quest Diagnostics Nichols Institute San Juan Capistrano); PubMed 35534704 (cited by Quest Diagnostics Nichols Institute San Juan Capistrano); PubMed 36315513 (cited by Quest Diagnostics Nichols Institute San Juan Capistrano); PubMed 28640387 (cited by Quest Diagnostics Nichols Institute San Juan Capistrano); PubMed 25186627 (cited by Quest Diagnostics Nichols Institute San Juan Capistrano and Counsyl); PubMed 26261251 (cited by 3 submitters); PubMed 25980754 (cited by 3 submitters); PubMed 27878467 (cited by Quest Diagnostics Nichols Institute San Juan Capistrano); PubMed 25085752 (cited by Myriad Genetics, Inc.).